The following is an entry in ClinVar:

ClinVar aggregate classification (germline): Likely benign. Review status: criteria provided, single submitter (1 of 4 stars). 2 submissions from 2 submitters: Likely benign (1). 1 of the submissions does not count toward it. Last evaluated 2024-04-30.

Conditions:
TRPC6-related disorder. Also called: TRPC6-related condition.

Allele frequency attached by ClinVar (database versions not stated): gnomAD exomes 0.00007; gnomAD 0.00009; TOPMed 0.00009; ExAC 0.00012.
gnomAD v4.1: 115 of 1,613,852 alleles (0.0071%); highest among the groups gnomAD compares: Admixed American, 0.097%; no homozygotes.

Submissions (3):

Labcorp Genetics (formerly Invitae), Labcorp
Classification: Likely benign. Last evaluated: 2024-04-30. Review status: criteria provided, single submitter. Criteria: Invitae Variant Classification Sherloc (09022015). Collection method: clinical testing. Allele origin: germline.

PreventionGenetics, part of Exact Sciences
Classification: Likely benign for TRPC6-related condition. Last evaluated: 2024-07-26. Review status: no assertion criteria provided. Collection method: clinical testing. Allele origin: germline. Not counted in ClinVar's aggregate classification.
Comment: This variant is classified as likely benign based on ACMG/AMP sequence variant interpretation guidelines (Richards et al. 2015 PMID: 25741868, with internal and published modifications).

Dr. Peter K. Rogan Lab, Western University
No classification provided (evidence only). Condition: Nonpapillary renal cell carcinoma. Review status: no classification provided. Collection method: in vitro. Allele origin: not applicable. Functional consequence: retained intron. Not counted in ClinVar's aggregate classification.

NM_004621.6(TRPC6):c.2294A>G (p.Asn765Ser)

Gene: TRPC6 (transient receptor potential cation channel subfamily C member 6; minus strand). Cytogenetic location: 11q22.1.
Variant type: single nucleotide variant.
Coding change: c.2294A>G on transcript NM_004621.6 (MANE Select); coding-DNA position 2294, A replaced by G.
Protein change: p.Asn765Ser; replaces asparagine 765 with serine.
Molecular consequence: missense variant.
Genome position (GRCh38, 1-based): chr11:101,471,298, T>C on the plus strand (A>G on the coding strand, the complement: TRPC6 is on the minus strand). VCF-style: chr11-101471298-T-C. GRCh37 (hg19) VCF-style: chr11-101342029-T-C.
Other names: c.2294A>G (NM_004621.5); short protein forms N765S.
Identifiers: ClinVar variation 2074601 (VCV002074601.6), dbSNP rs199786058, ClinGen allele CA6244160.
Genomic context (GRCh38, chr11:101,471,298, plus strand): 5'-GAAATCCATTTTTTAAGCTTCAGTAAGAGATAAAACAGGGACTTTGGACTCGGCACCAGA[T>C]TGAAGGGTACAGGAAGTGTTCTGCCCTCCTCAAAGTAGGAAAACCAGAGTTTGGCCCTTG-3'
Protein context (NP_004612.2, residues 755-775): EEGRTLPVPF[Asn765Ser]LVPSPKSLFY